The following is an entry in ClinVar:

ClinVar aggregate classification (germline): Conflicting classifications of pathogenicity. Review status: criteria provided, conflicting classifications (1 of 4 stars). 2 submissions from 2 submitters: Likely pathogenic (1); Uncertain significance (1). Last evaluated 2023-12-12.

Conditions:
Multiple acyl-CoA dehydrogenase deficiency (MADD). Also called: Glutaric aciduria, type 2; Glutaric acidemia type II; GA 2; ETHYLMALONIC-ADIPICACIDURIA; GA II; Glutaric Acidemia type 2. Identifiers: Orphanet 26791, MedGen C0268596, MONDO:0009282, OMIM 231680.

gnomAD v4.1: 4 of 1,584,882 alleles (0.00025%); highest among the groups gnomAD compares: Non-Finnish European, 0.00035%; no homozygotes.

Submissions (2):

Blueprint Genetics
Classification: Uncertain significance. Last evaluated: 2023-12-12. Review status: criteria provided, single submitter. Criteria: ACMG Guidelines, 2015. Collection method: clinical testing. Allele origin: germline.

Kasturba Medical College, Manipal, Kasturba Medical College, Manipal, Manipal Academy of Higher Education, Manipal, India
Classification: Likely pathogenic for Multiple acyl-CoA dehydrogenase deficiency. Review status: criteria provided, single submitter. Criteria: ACMG Guidelines, 2015. Collection method: clinical testing. Allele origin: biparental. Inheritance: Autosomal recessive inheritance. Affected: yes.
Comment: This canonical splice variant c.964-1G>A is likely to alter the splicing acceptor site, resulting in aberrant splicing, which results in either a truncated protein product or a nonsense-mediated mRNA decay of the transcript.

NM_000126.4(ETFA):c.964-1G>A

Gene: ETFA (electron transfer flavoprotein subunit alpha; minus strand). Cytogenetic location: 15q24.2.
Variant type: single nucleotide variant.
Coding change: c.964-1G>A on transcript NM_000126.4 (MANE Select); the canonical splice acceptor site of the intron before coding-DNA position 964, G replaced by A.
Molecular consequence: splice acceptor variant.
Genome position (GRCh38, 1-based): chr15:76,216,598, C>T on the plus strand (G>A on the coding strand, the complement: ETFA is on the minus strand). VCF-style: chr15-76216598-C-T. GRCh37 (hg19) VCF-style: chr15-76508939-C-T.
Other names: c.817-1G>A (NM_001127716.2).
Identifiers: ClinVar variation 3358868 (VCV003358868.3).